The following is an entry in ClinVar:

NM_000214.3(JAG1):c.412G>A (p.Ala138Thr)

Gene: JAG1 (jagged canonical Notch ligand 1; minus strand). Cytogenetic location: 20p12.2.
Variant type: single nucleotide variant.
Coding change: c.412G>A on transcript NM_000214.3 (MANE Select); coding-DNA position 412, G replaced by A.
Protein change: p.Ala138Thr; replaces alanine 138 with threonine.
Molecular consequence: missense variant.
Genome position (GRCh38, 1-based): chr20:10,663,990, C>T on the plus strand (G>A on the coding strand, the complement: JAG1 is on the minus strand). VCF-style: chr20-10663990-C-T. GRCh37 (hg19) VCF-style: chr20-10644638-C-T.
Other names: short protein forms A138T.
Identifiers: ClinVar variation 3573305 (VCV003573305.2).

Conditions:
Arteriohepatic dysplasia. Also called: Alagille Syndrome. Identifiers: Orphanet 52, MedGen C0085280, MeSH D016738, MONDO:0007318.

Submission:

Gilbert/Spinner Lab, Children's Hospital of Philadelphia
No classification provided (evidence only). Condition: Alagille syndrome. Review status: no classification provided. Collection method: research. Allele origin: not applicable. Functional consequence: functionally_abnormal.
ClinVar note: "not provided" was previously submitted as the classification for the variant. However, the classification appeared to be based only on an observation of functional data so it was converted to no classification on 2025-07-30.